The following is an entry in ClinVar:

ClinVar aggregate classification (germline): Benign/Likely benign. Review status: criteria provided, multiple submitters, no conflicts (2 of 4 stars). 2 submissions from 2 submitters: Benign (1); Likely benign (1). Last evaluated 2025-10-06.

Conditions:
Congenital disorder of glycosylation type Ir (CDG1R). Also called: DDOST-congenital disorder of glycosylation. Identifiers: Orphanet 300536, MedGen C3281084, MONDO:0013789, OMIM 614507.

Allele frequency attached by ClinVar (database versions not stated): gnomAD exomes 0.00019 and 0.00056; gnomAD 0.00021 and 0.00029; TOPMed 0.00049; ExAC 0.00051; 1000 Genomes Project 0.00120; 1000 Genomes Project 30x 0.00141.

Submissions (2):

Labcorp Genetics (formerly Invitae), Labcorp
Classification: Benign for Congenital disorder of glycosylation type Ir. Last evaluated: 2025-10-06. Review status: criteria provided, single submitter. Criteria: Invitae Variant Classification Sherloc (09022015). Collection method: clinical testing. Allele origin: germline.

GeneDx
Classification: Likely benign. Last evaluated: 2016-04-12. Review status: criteria provided, single submitter. Criteria: GeneDx Variant Classification (06012015). Collection method: clinical testing. Allele origin: germline. Affected: yes.
Comment: This variant is considered likely benign or benign based on one or more of the following criteria: it is a conservative change, it occurs at a poorly conserved position in the protein, it is predicted to be benign by multiple in silico algorithms, and/or has population frequency not consistent with disease.

NM_005216.5(DDOST):c.1170+16dup

Gene: DDOST (dolichyl-diphosphooligosaccharide--protein glycosyltransferase non-catalytic subunit; minus strand). Cytogenetic location: 1p36.12.
Variant type: Duplication.
Coding change: c.1170+16dup on transcript NM_005216.5 (MANE Select); 16 bases into the intron after coding-DNA position 1170, one base duplicated (A; older notation c.1170+16dupA).
Molecular consequence: intron variant.
Genome position (GRCh38, 1-based): chr1:20,652,605, T duplicated on the plus strand (A on the coding strand, the reverse complement: DDOST is on the minus strand). VCF-style (leftmost placement, unchanged base first): chr1-20652604-C-CT. GRCh37 (hg19) VCF-style: chr1-20979097-C-CT.
Other names: c.1221+16dupA (NM_005216.4).
Identifiers: ClinVar variation 420722 (VCV000420722.9), dbSNP rs566726706, ClinGen allele CA661009.